The following is an entry in ClinVar:

NM_006059.4(LAMC3):c.1840G>A (p.Glu614Lys)

Genes: LAMC3 (laminin subunit gamma 3; plus strand), LOC126860777 (BRD4-independent group 4 enhancer GRCh37_chr9:133927058-133928257; plus strand). Cytogenetic location: 9q34.12.
Variant type: single nucleotide variant.
Coding change: c.1840G>A on transcript NM_006059.4 (MANE Select); coding-DNA position 1840, G replaced by A.
Protein change: p.Glu614Lys; replaces glutamic acid 614 with lysine.
Molecular consequence: missense variant.
Genome position (GRCh38, 1-based): chr9:131,052,866, G>A. VCF-style: chr9-131052866-G-A. GRCh37 (hg19) VCF-style: chr9-133928253-G-A.
Other names: short protein forms E614K.
Identifiers: ClinVar variation 1410949 (VCV001410949.4), dbSNP rs375603737, ClinGen allele CA5287240.

ClinVar aggregate classification (germline): Uncertain significance (1 of 4 stars; one submission).

Allele frequency attached by ClinVar (database versions not stated): gnomAD 0.00001; gnomAD exomes 0.00001; TOPMed 0.00002; ExAC 0.00003; ESP Exome Variant Server 0.00008.
gnomAD v4.1: 16 of 1,610,242 alleles (0.00099%); highest among the groups gnomAD compares: African/African-American, 0.0027%; no homozygotes.

Submission:

Labcorp Genetics (formerly Invitae), Labcorp
Classification: Uncertain significance. Last evaluated: 2025-01-06. Review status: criteria provided, single submitter. Criteria: Invitae Variant Classification Sherloc (09022015). Collection method: clinical testing. Allele origin: germline.
Comment: This sequence change replaces glutamic acid, which is acidic and polar, with lysine, which is basic and polar, at codon 614 of the LAMC3 protein (p.Glu614Lys). This variant is present in population databases (rs375603737, gnomAD 0.004%). This variant has not been reported in the literature in individuals affected with LAMC3-related conditions. ClinVar contains an entry for this variant (Variation ID: 1410949). An algorithm developed to predict the effect of missense changes on protein structure and function (PolyPhen-2) suggests that this variant¬†is likely to be tolerated. In summary, the available evidence is currently insufficient to determine the role of this variant in disease. Therefore, it has been classified as a Variant of Uncertain Significance.